The following is an entry in ClinVar:

NM_000717.5(CA4):c.899G>A (p.Gly300Asp)

Gene: CA4 (carbonic anhydrase 4; plus strand). Cytogenetic location: 17q23.1.
Variant type: single nucleotide variant.
Coding change: c.899G>A on transcript NM_000717.5 (MANE Select); coding-DNA position 899, G replaced by A.
Protein change: p.Gly300Asp; replaces glycine 300 with aspartic acid.
Molecular consequence: missense variant. On other transcripts: non-coding transcript variant (1).
Genome position (GRCh38, 1-based): chr17:60,159,384, G>A. VCF-style: chr17-60159384-G-A. GRCh37 (hg19) VCF-style: chr17-58236745-G-A.
Other names: short protein forms G300D.
Identifiers: ClinVar variation 1018101 (VCV001018101.9), dbSNP rs2083757713, ClinGen allele CA400460788.

ClinVar aggregate classification (germline): Uncertain significance. Review status: criteria provided, multiple submitters, no conflicts (2 of 4 stars). 2 submissions from 2 submitters: Uncertain significance (2). Last evaluated 2024-01-02.

Allele frequency attached by ClinVar (database versions not stated): gnomAD exomes below 0.00001.
gnomAD v4.1: 7 of 1,612,394 alleles (0.00043%); highest among the groups gnomAD compares: African/African-American, 0.004%; no homozygotes.

Submissions (2):

Labcorp Genetics (formerly Invitae), Labcorp
Classification: Uncertain significance. Last evaluated: 2024-01-02. Review status: criteria provided, single submitter. Criteria: Invitae Variant Classification Sherloc (09022015). Collection method: clinical testing. Allele origin: germline.
Comment: This sequence change replaces glycine with aspartic acid at codon 300 of the CA4 protein (p.Gly300Asp). The glycine residue is weakly conserved and there is a moderate physicochemical difference between glycine and aspartic acid. This variant is not present in population databases (gnomAD no frequency). This variant has not been reported in the literature in individuals affected with CA4-related conditions. ClinVar contains an entry for this variant (Variation ID: 1018101). An algorithm developed to predict the effect of missense changes on protein structure and function (PolyPhen-2) suggests that this variant is likely to be disruptive. In summary, the available evidence is currently insufficient to determine the role of this variant in disease. Therefore, it has been classified as a Variant of Uncertain Significance.

Blueprint Genetics
Classification: Uncertain significance. Last evaluated: 2022-01-18. Review status: criteria provided, single submitter. Criteria: ACMG Guidelines, 2015. Collection method: clinical testing. Allele origin: germline.